The following is an entry in ClinVar:

NM_020778.5(ALPK3):c.2235_2236insT (p.Gly746fs)

Gene: ALPK3 (alpha kinase 3; plus strand). Cytogenetic location: 15q25.3.
Variant type: Insertion.
Coding change: c.2235_2236insT on transcript NM_020778.5 (MANE Select); coding-DNA positions 2235 to 2236, T inserted.
Protein change: p.Gly746fs; shifts the reading frame from glycine 746.
Molecular consequence: frameshift variant.
Genome position: GRCh38 VCF-style: chr15-84856973-G-GT. GRCh37 (hg19) VCF-style: chr15-85400204-G-GT.
Other names: short protein forms G746fs.
Identifiers: ClinVar variation 4806905 (VCV004806905.1).

ClinVar aggregate classification (germline): Pathogenic (1 of 4 stars; one submission).

Submission:

Labcorp Genetics (formerly Invitae), Labcorp
Classification: Pathogenic. Last evaluated: 2025-03-04. Review status: criteria provided, single submitter. Criteria: Invitae Variant Classification Sherloc (09022015). Collection method: clinical testing. Allele origin: germline.
Comment: This sequence change creates a premature translational stop signal (p.Gly948Trpfs*3) in the ALPK3 gene. It is expected to result in an absent or disrupted protein product. Loss-of-function variants in ALPK3 are known to be pathogenic (PMID: 21441111, 26846950, 27106955, 34263907). This variant is not present in population databases (gnomAD no frequency). This variant has not been reported in the literature in individuals affected with ALPK3-related conditions. For these reasons, this variant has been classified as Pathogenic.

Literature cited by the submitters: PubMed 21441111; PubMed 26846950; PubMed 27106955; PubMed 34263907.